The following is an entry in ClinVar:

NM_000238.4(KCNH2):c.478G>T (p.Ala160Ser)

Gene: KCNH2 (potassium voltage-gated channel subfamily H member 2; minus strand). Cytogenetic location: 7q36.1.
Variant type: single nucleotide variant.
Coding change: c.478G>T on transcript NM_000238.4 (MANE Select); coding-DNA position 478, G replaced by T.
Protein change: p.Ala160Ser; replaces alanine 160 with serine.
Molecular consequence: missense variant.
Genome position (GRCh38, 1-based): chr7:150,958,497, C>A on the plus strand (G>T on the coding strand, the complement: KCNH2 is on the minus strand). VCF-style: chr7-150958497-C-A. GRCh37 (hg19) VCF-style: chr7-150655585-C-A.
Other names: c.190G>T, p.Ala64Ser (NM_001406753.1, NM_001406756.1); c.301G>T, p.Ala101Ser (NM_001406755.1); c.178G>T, p.Ala60Ser (NM_001406757.1); c.478G>T, p.Ala160Ser (NM_172056.3); short protein forms A160S, A60S, A101S, A64S.
Identifiers: ClinVar variation 955775 (VCV000955775.11), dbSNP rs1210130846, ClinGen allele CA369863566.

ClinVar aggregate classification (germline): Uncertain significance. Review status: criteria provided, multiple submitters, no conflicts (2 of 4 stars). 3 submissions from 3 submitters: Uncertain significance (3). Last evaluated 2025-08-06.

Conditions:
Cardiovascular phenotype. Identifiers: MedGen CN230736.
Short QT syndrome type 1. Identifiers: Orphanet 51083, MedGen C1865020, MONDO:0012312, OMIM 609620.
Long QT syndrome 2 (LQT2). Identifiers: Orphanet 101016, Orphanet 768, MedGen C3150943, MONDO:0013367, OMIM 613688.
Long QT syndrome (LQTS). Identifiers: MedGen C0023976, MeSH D008133, MONDO:0002442. Disease mechanism: loss of function. Inheritance: Various modes of inheritance.

Allele frequency attached by ClinVar (database versions not stated): gnomAD 0.00001; TOPMed 0.00003.

Submissions (3):

Labcorp Genetics (formerly Invitae), Labcorp
Classification: Uncertain significance for Long QT syndrome. Last evaluated: 2025-08-06. Review status: criteria provided, single submitter. Criteria: Invitae Variant Classification Sherloc (09022015). Collection method: clinical testing. Allele origin: germline.
Comment: This sequence change replaces alanine, which is neutral and non-polar, with serine, which is neutral and polar, at codon 160 of the KCNH2 protein (p.Ala160Ser). This variant is not present in population databases (gnomAD no frequency). This variant has not been reported in the literature in individuals affected with KCNH2-related conditions. ClinVar contains an entry for this variant (Variation ID: 955775). An algorithm developed to predict the effect of missense changes on protein structure and function (PolyPhen-2) suggests that this variant is likely to be tolerated. In summary, the available evidence is currently insufficient to determine the role of this variant in disease. Therefore, it has been classified as a Variant of Uncertain Significance.

Ambry Genetics
Classification: Uncertain significance for Cardiovascular phenotype. Last evaluated: 2022-09-16. Review status: criteria provided, single submitter. Criteria: Ambry Variant Classification Scheme 2023. Collection method: clinical testing. Allele origin: germline.
Comment: The p.A160S variant (also known as c.478G>T), located in coding exon 4 of the KCNH2 gene, results from a G to T substitution at nucleotide position 478. The alanine at codon 160 is replaced by serine, an amino acid with similar properties. This amino acid position is not well conserved in available vertebrate species. In addition, the in silico prediction for this alteration is inconclusive. Since supporting evidence is limited at this time, the clinical significance of this alteration remains unclear.

Fulgent Genetics
Classification: Uncertain significance for Short QT syndrome type 1; Long QT syndrome 2. Last evaluated: 2021-09-06. Review status: criteria provided, single submitter. Criteria: ACMG Guidelines, 2015. Collection method: clinical testing. Allele origin: unknown.